The following is an entry in ClinVar:

ClinVar aggregate classification (germline): Uncertain significance (1 of 4 stars; one submission).

Conditions:
Bifunctional peroxisomal enzyme deficiency (DBIF). Also called: DBP DEFICIENCY; PBFE DEFICIENCY; D-bifunctional protein deficiency. Identifiers: Orphanet 300, MedGen C0342870, MONDO:0009855, OMIM 261515. Disease mechanism: loss of function.

Submission:

3billion
Classification: Uncertain significance for Bifunctional peroxisomal enzyme deficiency. Last evaluated: 2024-06-17. Review status: criteria provided, single submitter. Criteria: ACMG Guidelines, 2015. Collection method: clinical testing. Allele origin: germline. Affected: yes.
Comment: The variant is not observed in the gnomAD v4.0.0 dataset. Predicted Consequence/Location: Intron variant In silico tools predict the variant to alter splicing and produce an abnormal transcript [SpliceAI: 0.47 (>=0.2, moderate evidence for spliceogenicity)]. Therefore, this variant is classified as VUS according to the recommendation of ACMG/AMP guideline.

NM_000414.4(HSD17B4):c.302+48_303-25del

Gene: HSD17B4 (hydroxysteroid 17-beta dehydrogenase 4; plus strand). Cytogenetic location: 5q23.1.
Variant type: Deletion.
Coding change: c.302+48_303-25del on transcript NM_000414.4 (MANE Select); 48 bases into the intron after coding-DNA position 302 through 25 bases into the intron before coding-DNA position 303, 25 bases deleted (AAAAGTATATACTTTCCTCCTTTTA).
Molecular consequence: intron variant.
Genome position (GRCh38, 1-based): chr5:119,475,775-119,475,799, AAAAGTATATACTTTCCTCCTTTTA deleted; deleting any 25 consecutive bases within chr5:119,475,770-119,475,799 gives the same sequence; the c. name uses the placement nearest the transcript's 3' end. VCF-style (leftmost placement, unchanged base first): chr5-119475769-TTTTTAAAAAGTATATACTTTCCTCC-T. GRCh37 (hg19) VCF-style: chr5-118811464-TTTTTAAAAAGTATATACTTTCCTCC-T.
Other names: c.-110+48_-109-25del (NM_001374503.1, NM_001374502.1, NM_001374501.1 and 1 more transcripts); c.377+48_378-25del (NM_001199291.3); c.22+48_22+72del (NM_001374499.1); c.-237+48_-236-25del (NM_001374500.1); c.230+48_231-25del (NM_001292027.2); c.302+48_303-25del (NM_001374498.1, NM_001374497.1); c.248+48_249-25del (NM_001199292.2).
Identifiers: ClinVar variation 4293283 (VCV004293283.1).